The following is an entry in ClinVar:

ClinVar aggregate classification (germline): Uncertain significance. Review status: criteria provided, multiple submitters, no conflicts (2 of 4 stars). 3 submissions from 3 submitters: Uncertain significance (2). 1 of the submissions does not count toward it. Last evaluated 2022-07-19.

Conditions:
Usher syndrome type 1B (USH1B). Also called: Usher syndrome type IB. Identifiers: MedGen C1848638, MONDO:0700087.
Autosomal dominant nonsyndromic hearing loss 11. Identifiers: Orphanet 90635, MedGen C1832475, MONDO:0011032, OMIM 601317.
Autosomal recessive nonsyndromic hearing loss 2. Also called: DEAFNESS, AUTOSOMAL RECESSIVE 2; NEUROSENSORY NONSYNDROMIC RECESSIVE DEAFNESS 2. Identifiers: Orphanet 90636, MedGen C1838701, MONDO:0010807, OMIM 600060.
Usher syndrome type 1 (USH1). Also called: RETINITIS PIGMENTOSA AND CONGENITAL DEAFNESS. Identifiers: Orphanet 231169, Orphanet 886, MedGen C1568247, MONDO:0010168, OMIM 276900.

Allele frequency attached by ClinVar (database versions not stated): gnomAD exomes below 0.00001.
gnomAD v4.1: 2 of 1,592,578 alleles (0.00013%); highest among the groups gnomAD compares: Non-Finnish European, 0.000086%; no homozygotes.

Submissions (3):

Labcorp Genetics (formerly Invitae), Labcorp
Classification: Uncertain significance. Last evaluated: 2022-07-19. Review status: criteria provided, single submitter. Criteria: Invitae Variant Classification Sherloc (09022015). Collection method: clinical testing. Allele origin: germline.
Comment: In summary, the available evidence is currently insufficient to determine the role of this variant in disease. Therefore, it has been classified as a Variant of Uncertain Significance. Variants that disrupt the consensus splice site are a relatively common cause of aberrant splicing (PMID: 17576681, 9536098). Algorithms developed to predict the effect of sequence changes on RNA splicing suggest that this variant is not likely to affect RNA splicing. ClinVar contains an entry for this variant (Variation ID: 990558). This variant has not been reported in the literature in individuals affected with MYO7A-related conditions. This variant is not present in population databases (gnomAD no frequency). This sequence change falls in intron 3 of the MYO7A gene. It does not directly change the encoded amino acid sequence of the MYO7A protein. It affects a nucleotide within the consensus splice site.

Fulgent Genetics
Classification: Uncertain significance for Usher syndrome type 1; Autosomal recessive nonsyndromic hearing loss 2; Autosomal dominant nonsyndromic hearing loss 11. Last evaluated: 2021-08-17. Review status: criteria provided, single submitter. Criteria: ACMG Guidelines, 2015. Collection method: clinical testing. Allele origin: unknown.

Natera, Inc.
Classification: Uncertain significance for Usher syndrome type 1B. Last evaluated: 2020-09-04. Review status: no assertion criteria provided. Collection method: clinical testing. Allele origin: germline. Not counted in ClinVar's aggregate classification.

Literature cited by the submitters: PubMed 17576681 (cited by Labcorp Genetics (formerly Invitae), Labcorp); PubMed 9536098 (cited by Labcorp Genetics (formerly Invitae), Labcorp).

NM_000260.4(MYO7A):c.132+6T>C

Gene: MYO7A (myosin VIIA; plus strand). Cytogenetic location: 11q13.5.
Variant type: single nucleotide variant.
Coding change: c.132+6T>C on transcript NM_000260.4 (MANE Select); 6 bases into the intron after coding-DNA position 132, T replaced by C.
Molecular consequence: intron variant.
Genome position (GRCh38, 1-based): chr11:77,142,828, T>C. VCF-style: chr11-77142828-T-C. GRCh37 (hg19) VCF-style: chr11-76853874-T-C.
Other names: c.99+6T>C (NM_001369365.1); c.132+6T>C (NM_001127180.2).
Identifiers: ClinVar variation 990558 (VCV000990558.6), dbSNP rs781852295, ClinGen allele CA224819278.